The following is an entry in ClinVar:

ClinVar aggregate classification (germline): Pathogenic (1 of 4 stars; one submission).

Conditions:
Usher syndrome type 1C. Also called: USHER SYNDROME, TYPE I, ACADIAN VARIETY. Identifiers: Orphanet 231169, Orphanet 886, MedGen C1848604, MONDO:0010171, OMIM 276904.

Submission:

Myriad Genetics, Inc.
Classification: Pathogenic for Usher syndrome type 1C. Last evaluated: 2025-06-21. Review status: criteria provided, single submitter. Criteria: Myriad Autosomal Dominant, Autosomal Recessive and X-Linked Classification Criteria (2023). Collection method: clinical testing. Allele origin: unknown.
Comment: NM_005709.3(USH1C):c.1187dupC(V397Sfs*9) is expected to be pathogenic in the context of USH1C-related disorders. This variant is predicted to lead to an abnormal or absent protein product due to the creation of a premature termination codon in USH1C, a gene where loss-of-function variants are known to be pathogenic. Please note: this variant was assessed in the context of healthy population screening.

NM_153676.4(USH1C):c.1187dup (p.Val397fs)

Gene: USH1C (USH1 protein network component harmonin; minus strand). Cytogenetic location: 11p15.1.
Variant type: Duplication.
Coding change: c.1187dup on transcript NM_153676.4 (MANE Select); coding-DNA position 1187, one base duplicated (C; older notation c.1187dupC).
Protein change: p.Val397fs; shifts the reading frame from valine 397.
Molecular consequence: frameshift variant. On other transcripts: non-coding transcript variant (1).
Genome position (GRCh38, 1-based): chr11:17,520,893, G duplicated on the plus strand (C on the coding strand, the reverse complement: USH1C is on the minus strand); the first of 3 consecutive G bases (chr11:17,520,893-17,520,895); duplicating any one gives the same sequence. VCF-style (leftmost placement, unchanged base first): chr11-17520892-T-TG. GRCh37 (hg19) VCF-style: chr11-17542439-T-TG.
Other names: c.1130dup, p.Val378fs (NM_001297764.2); c.1220dup, p.Val408fs (NM_001440679.1, NM_001440684.1); c.1187dup, p.Val397fs (NM_001440680.1, NM_001440681.1, NM_001440682.1 and 4 more transcripts); c.1163dup, p.Val389fs (NM_001440686.1); short protein forms V378fs, V389fs, V397fs, V408fs.
Identifiers: ClinVar variation 5014625 (VCV005014625.1).